The following is an entry in ClinVar:

ClinVar aggregate classification (germline): Conflicting classifications of pathogenicity. Review status: criteria provided, conflicting classifications (1 of 4 stars). 2 submissions from 2 submitters: Uncertain significance (1); Likely benign (1). Last evaluated 2025-01-29.

Allele frequency attached by ClinVar (database versions not stated): gnomAD 0.00001; gnomAD exomes 0.00001; ExAC 0.00002; TOPMed 0.00002; ESP Exome Variant Server 0.00008.

Submissions (2):

Labcorp Genetics (formerly Invitae), Labcorp
Classification: Uncertain significance. Last evaluated: 2025-01-29. Review status: criteria provided, single submitter. Criteria: Invitae Variant Classification Sherloc (09022015). Collection method: clinical testing. Allele origin: germline.
Comment: This sequence change replaces valine, which is neutral and non-polar, with methionine, which is neutral and non-polar, at codon 297 of the LRRC8A protein (p.Val297Met). This variant is present in population databases (rs376268338, gnomAD 0.006%). This variant has not been reported in the literature in individuals affected with LRRC8A-related conditions. ClinVar contains an entry for this variant (Variation ID: 1351544). An algorithm developed to predict the effect of missense changes on protein structure and function (PolyPhen-2) suggests that this variant is likely to be tolerated. In summary, the available evidence is currently insufficient to determine the role of this variant in disease. Therefore, it has been classified as a Variant of Uncertain Significance.

CeGaT Center for Human Genetics Tuebingen
Classification: Likely benign. Last evaluated: 2022-08-01. Review status: criteria provided, single submitter. Criteria: CeGaT Center For Human Genetics Tuebingen Variant Classification Criteria Version 2. Collection method: clinical testing. Allele origin: germline. Affected: yes. Observed: 2 variant alleles.
Comment: LRRC8A: BS1

NM_019594.4(LRRC8A):c.889G>A (p.Val297Met)

Gene: LRRC8A (leucine rich repeat containing 8 VRAC subunit A; plus strand). Cytogenetic location: 9q34.11.
Variant type: single nucleotide variant.
Coding change: c.889G>A on transcript NM_019594.4 (MANE Select); coding-DNA position 889, G replaced by A.
Protein change: p.Val297Met; replaces valine 297 with methionine.
Molecular consequence: missense variant.
Genome position (GRCh38, 1-based): chr9:128,908,053, G>A. VCF-style: chr9-128908053-G-A. GRCh37 (hg19) VCF-style: chr9-131670332-G-A.
Other names: c.889G>A, p.Val297Met (NM_001127244.2, NM_001127245.2); short protein forms V297M.
Identifiers: ClinVar variation 1351544 (VCV001351544.39), dbSNP rs376268338, ClinGen allele CA5270795.